The following is an entry in ClinVar:

ClinVar aggregate classification (germline): Conflicting classifications of pathogenicity. Review status: criteria provided, conflicting classifications (1 of 4 stars). 4 submissions from 4 submitters: Pathogenic (1); Likely pathogenic (2); Uncertain significance (1). Last evaluated 2024-10-08.

Conditions:
GM3 synthase deficiency (SPDRS). Also called: SALT AND PEPPER DEVELOPMENTAL REGRESSION SYNDROME; AMISH INFANTILE EPILEPSY SYNDROME; SALT AND PEPPER MENTAL RETARDATION SYNDROME. Identifiers: Orphanet 171714, Orphanet 370933, MedGen C1836824, MONDO:0018274, OMIM 609056.

Submissions (4):

Labcorp Genetics (formerly Invitae), Labcorp
Classification: Pathogenic for GM3 synthase deficiency. Last evaluated: 2024-10-08. Review status: criteria provided, single submitter. Criteria: Invitae Variant Classification Sherloc (09022015). Collection method: clinical testing. Allele origin: germline.
Comment: This sequence change creates a premature translational stop signal (p.Cys42Alafs*16) in the ST3GAL5 gene. It is expected to result in an absent or disrupted protein product. Loss-of-function variants in ST3GAL5 are known to be pathogenic (PMID: 15502825, 22990144, 27232954). This variant is present in population databases (rs777319882, gnomAD 0.02%). This variant has not been reported in the literature in individuals affected with ST3GAL5-related conditions. ClinVar contains an entry for this variant (Variation ID: 856273). For these reasons, this variant has been classified as Pathogenic.

Fulgent Genetics
Classification: Likely pathogenic for GM3 synthase deficiency. Last evaluated: 2024-05-17. Review status: criteria provided, single submitter. Criteria: ACMG Guidelines, 2015. Collection method: clinical testing. Allele origin: germline.

GeneDx
Classification: Uncertain significance. Last evaluated: 2024-02-06. Review status: criteria provided, single submitter. Criteria: GeneDx Variant Classification Process June 2021. Collection method: clinical testing. Allele origin: germline. Affected: yes.
Comment: Frameshift variant predicted to result in protein truncation or nonsense mediated decay in a gene for which loss of function is a known mechanism of disease; Has not been previously published as pathogenic or benign to our knowledge

Athena Diagnostics
Classification: Likely pathogenic. Last evaluated: 2020-09-22. Review status: criteria provided, single submitter. Criteria: Athena Diagnostics criteria. Collection method: clinical testing. Allele origin: unknown.
Comment: This variant is expected to result in the loss of a functional protein. The frequency of this variant in the general population is consistent with pathogenicity.

Literature cited by the submitters: PubMed 15502825 (cited by Labcorp Genetics (formerly Invitae), Labcorp); PubMed 22990144 (cited by Labcorp Genetics (formerly Invitae), Labcorp); PubMed 27232954 (cited by Labcorp Genetics (formerly Invitae), Labcorp).

NM_003896.4(ST3GAL5):c.124del (p.Cys42fs)

Gene: ST3GAL5 (ST3 beta-galactoside alpha-2,3-sialyltransferase 5; minus strand). Cytogenetic location: 2p11.2.
Variant type: Deletion.
Coding change: c.124del on transcript NM_003896.4 (MANE Select); coding-DNA position 124, one base deleted (T; older notation c.124delT).
Protein change: p.Cys42fs; shifts the reading frame from cysteine 42.
Molecular consequence: frameshift variant. On other transcripts: 5 prime UTR variant (5).
Genome position (GRCh38, 1-based): chr2:85,863,444, A deleted on the plus strand (T on the coding strand, the reverse complement: ST3GAL5 is on the minus strand); the first of 2 consecutive A bases (chr2:85,863,444-85,863,445); deleting either gives the same sequence. VCF-style (leftmost placement, unchanged base first): chr2-85863443-CA-C. GRCh37 (hg19) VCF-style: chr2-86090566-CA-C.
Other names: c.55del, p.Cys19fs (NM_001042437.2); c.-438del (NM_001354223.2, NM_001354226.2); c.-501del (NM_001354224.2); c.40del, p.Cys14fs (NM_001354227.2, NM_001354229.2, NM_001354238.1); c.-878del (NM_001354233.2); c.-842del (NM_001354234.1); c.124del, p.Cys42fs (NM_001363847.1); short protein forms C14fs, C19fs, C42fs.
Identifiers: ClinVar variation 856273 (VCV000856273.11), dbSNP rs777319882, ClinGen allele CA1745161.